The following is an entry in ClinVar:

ClinVar aggregate classification (germline): Benign/Likely benign. Review status: criteria provided, multiple submitters, no conflicts (2 of 4 stars). 3 submissions from 3 submitters: Benign (1); Likely benign (1). 1 of the submissions does not count toward it. Last evaluated 2025-12-13.

Conditions:
PACS2-related disorder. Also called: PACS2-related condition.

Allele frequency attached by ClinVar (database versions not stated): gnomAD exomes 0.00012; ExAC 0.00015; gnomAD 0.00032 and 0.00036; TOPMed 0.00039; ESP Exome Variant Server 0.00085.
gnomAD v4.1: 116 of 1,613,188 alleles (0.0072%); highest among the groups gnomAD compares: African/African-American, 0.12%; no homozygotes.

Submissions (3):

Labcorp Genetics (formerly Invitae), Labcorp
Classification: Benign. Last evaluated: 2025-12-13. Review status: criteria provided, single submitter. Criteria: Invitae Variant Classification Sherloc (09022015). Collection method: clinical testing. Allele origin: germline.

CeGaT Center for Human Genetics Tuebingen
Classification: Likely benign. Last evaluated: 2025-07-01. Review status: criteria provided, single submitter. Criteria: CeGaT Center For Human Genetics Tuebingen Variant Classification Criteria Version 2. Collection method: clinical testing. Allele origin: germline. Affected: yes. Observed: 1 variant allele.
Comment: PACS2: BP4, BP7

PreventionGenetics, part of Exact Sciences
Classification: Likely benign for PACS2-related condition. Last evaluated: 2019-08-21. Review status: no assertion criteria provided. Collection method: clinical testing. Allele origin: germline. Not counted in ClinVar's aggregate classification.
Comment: This variant is classified as likely benign based on ACMG/AMP sequence variant interpretation guidelines (Richards et al. 2015 PMID: 25741868, with internal and published modifications).

NM_001100913.3(PACS2):c.1461C>T (p.Ser487=)

Gene: PACS2 (phosphofurin acidic cluster sorting protein 2; plus strand). Cytogenetic location: 14q32.33.
Variant type: single nucleotide variant.
Coding change: c.1461C>T on transcript NM_001100913.3 (MANE Select); coding-DNA position 1461, C replaced by T.
Protein change: p.Ser487=; no amino-acid change (serine 487 retained).
Molecular consequence: synonymous variant.
Genome position (GRCh38, 1-based): chr14:105,382,524, C>T. VCF-style: chr14-105382524-C-T. GRCh37 (hg19) VCF-style: chr14-105848861-C-T.
Other names: c.1461C>T (NM_001100913.2); c.1224C>T, p.Ser408= (NM_001243127.3); c.1449C>T, p.Ser483= (NM_015197.4).
Identifiers: ClinVar variation 1634891 (VCV001634891.18), dbSNP rs113443045, ClinGen allele CA7388827.